The following is an entry in ClinVar:

NM_001360.3(DHCR7):c.1426T>C (p.Ter476Gln)

Gene: DHCR7 (7-dehydrocholesterol reductase; minus strand). Cytogenetic location: 11q13.4.
Variant type: single nucleotide variant.
Coding change: c.1426T>C on transcript NM_001360.3 (MANE Select); coding-DNA position 1426, T replaced by C.
Protein change: p.Ter476Gln.
Molecular consequence: stop lost.
Genome position (GRCh38, 1-based): chr11:71,435,377, A>G on the plus strand (T>C on the coding strand, the complement: DHCR7 is on the minus strand). VCF-style: chr11-71435377-A-G. GRCh37 (hg19) VCF-style: chr11-71146423-A-G.
Other names: *476Q; c.1426T>C, p.Ter476Gln (NM_001163817.2).
Identifiers: ClinVar variation 188942 (VCV000188942.14), dbSNP rs775034584, ClinGen allele CA274163.

ClinVar aggregate classification (germline): Conflicting classifications of pathogenicity. Review status: criteria provided, conflicting classifications (1 of 4 stars). 5 submissions from 5 submitters: Likely pathogenic (2); Uncertain significance (2). 1 of the submissions does not count toward it. Last evaluated 2026-03-30.

Conditions:
Smith-Lemli-Opitz syndrome (SLOS). Also called: 7-Dehydrocholesterol reductase deficiency; LETHAL ACRODYSGENITAL SYNDROME; POLYDACTYLY, SEX REVERSAL, RENAL HYPOPLASIA, AND UNILOBAR LUNG; RSH SYNDROME; RUTLEDGE LETHAL MULTIPLE CONGENITAL ANOMALY SYNDROME. Identifiers: Orphanet 818, MedGen C0175694, MONDO:0010035, OMIM 270400.

Allele frequency attached by ClinVar (database versions not stated): gnomAD exomes below 0.00001 and 0.00002; ExAC 0.00001.
gnomAD v4.1: 6 of 1,611,934 alleles (0.00037%); highest among the groups gnomAD compares: East Asian, 0.0089%; no homozygotes.

Submissions (5):

Myriad Genetics, Inc.
Classification: Uncertain significance for Smith-Lemli-Opitz syndrome. Last evaluated: 2026-03-30. Review status: criteria provided, single submitter. Criteria: Myriad Autosomal Dominant, Autosomal Recessive and X-Linked Classification Criteria (2023). Collection method: clinical testing. Allele origin: unknown.
Comment: NM_001360.2(DHCR7):c.1426T>C(*476Qext*51) is a stop-loss variant classified as a variant of uncertain significance in the context of Smith-Lemli-Opitz syndrome. *476Qext*51 has been observed in cases with relevant disease (PMID: 16044199, 34671977). Relevant functional assessments of this variant are not available in the literature. *476Qext*51 has been observed in referenced population frequency databases. In summary, there is insufficient evidence to classify NM_001360.2(DHCR7):c.1426T>C(*476Qext*51) as pathogenic or benign. Please note: this variant was assessed in the context of healthy population screening.

Natera, Inc.
Classification: Likely pathogenic for Smith-Lemli-Opitz syndrome. Last evaluated: 2025-10-14. Review status: criteria provided, single submitter. Criteria: Natera Variant Classification Schema (03/2026). Collection method: clinical testing. Allele origin: germline.
Comment: The c.1426T>C variant in DHCR7 is a stop-loss variant predicted to disrupt the normal termination codon and extend translation beyond the canonical stop site. This variant is rare in the general population with a frequency below the threshold expected for the associated phenotype(s). This variant has been observed in one or more individuals affected with the associated recessive disease, as either homozygous or compound heterozygous with a second variant (PMID: 34671977, 6044199). Multiple computational prediction algorithms suggest this variant is unlikely to affect gene or protein function. Given the available evidence, this variant is classified as Likely Pathogenic.

Fulgent Genetics
Classification: Likely pathogenic for Smith-Lemli-Opitz syndrome. Last evaluated: 2024-02-28. Review status: criteria provided, single submitter. Criteria: ACMG Guidelines, 2015. Collection method: clinical testing. Allele origin: germline.

Labcorp Genetics (formerly Invitae), Labcorp
Classification: Uncertain significance for Smith-Lemli-Opitz syndrome. Last evaluated: 2022-01-14. Review status: criteria provided, single submitter. Criteria: Invitae Variant Classification Sherloc (09022015). Collection method: clinical testing. Allele origin: germline.
Comment: This sequence change disrupts the translational stop signal of the DHCR7 mRNA. It is expected to extend the length of the DHCR7 protein by 51 additional amino acid residues. This variant is present in population databases (rs775034584, gnomAD 0.02%). This protein extension has been observed in individual(s) with Smith-Lemli-Opitz syndrome (PMID: 16044199). In at least one individual the data is consistent with being in trans (on the opposite chromosome) from a pathogenic variant. ClinVar contains an entry for this variant (Variation ID: 188942). Experimental studies and prediction algorithms are not available or were not evaluated, and the functional significance of this variant is currently unknown. In summary, the available evidence is currently insufficient to determine the role of this variant in disease. Therefore, it has been classified as a Variant of Uncertain Significance.

Counsyl
Classification: Likely pathogenic for Smith-Lemli-Opitz syndrome. Last evaluated: 2014-08-26. Review status: no assertion criteria provided. Collection method: literature only. Allele origin: unknown. Inheritance: Autosomal recessive inheritance. Not counted in ClinVar's aggregate classification.

Literature cited by the submitters: PubMed 16044199 (cited by 3 submitters); PubMed 34671977 (cited by Myriad Genetics, Inc. and Natera, Inc.); PubMed 6044199 (cited by Natera, Inc.); PubMed 23042628 (cited by Counsyl); PubMed 10602371 (cited by Counsyl).